The following is an entry in ClinVar:

ClinVar aggregate classification (germline): Uncertain significance. Review status: criteria provided, multiple submitters, no conflicts (2 of 4 stars). 4 submissions from 4 submitters: Uncertain significance (4). Last evaluated 2026-06-08.

Conditions:
Oto-palato-digital syndrome, type II (OPD2). Also called: Otopalatodigital Syndrome, Type II; FACIOPALATOOSSEOUS SYNDROME; OPD II SYNDROME; Otopalatodigital Syndrome Type 2 (FLNA-OPD2). Identifiers: Orphanet 669, Orphanet 90652, MedGen C1844696, MONDO:0010571, OMIM 304120.
Frontometaphyseal dysplasia (FMD1). Identifiers: Orphanet 1826, MedGen C0265293, MONDO:0015942.
Heterotopia, periventricular, X-linked dominant (PVNH1). Also called: X-linked periventricular heterotopia; PERIVENTRICULAR NODULAR HETEROTOPIA 4; HETEROTOPIA, PERIVENTRICULAR, 1; PERIVENTRICULAR NODULAR HETEROTOPIA 1. Identifiers: Orphanet 2149, Orphanet 82004, MedGen C1848213, MONDO:0010233, OMIM 300049.
Melnick-Needles syndrome (MNS). Also called: MELNICK-NEEDLES OSTEODYSPLASTY; OSTEODYSPLASTY OF MELNICK AND NEEDLES; Melnick-Needles Syndrome (FLNA-MNS). Identifiers: Orphanet 2484, MedGen C0025237, MONDO:0010650, OMIM 309350.
Inborn genetic diseases. Identifiers: MedGen C0950123, MeSH D030342.

Submissions (4):

GeneDx
Classification: Uncertain significance. Last evaluated: 2026-06-08. Review status: criteria provided, single submitter. Criteria: GeneDx Variant Classification Process June 2021. Collection method: clinical testing. Allele origin: germline.
Comment: Not observed at significant frequency in large population cohorts (gnomAD); In silico analysis supports that this missense variant has a deleterious effect on protein structure/function; Has not been previously published as pathogenic or benign to our knowledge

Labcorp Genetics (formerly Invitae), Labcorp
Classification: Uncertain significance for Oto-palato-digital syndrome, type II; Heterotopia, periventricular, X-linked dominant; Frontometaphyseal dysplasia; Melnick-Needles syndrome. Last evaluated: 2025-10-14. Review status: criteria provided, single submitter. Criteria: Invitae Variant Classification Sherloc (09022015). Collection method: clinical testing. Allele origin: germline.
Comment: This sequence change replaces glycine, which is neutral and non-polar, with aspartic acid, which is acidic and polar, at codon 452 of the FLNA protein (p.Gly452Asp). This variant is not present in population databases (gnomAD no frequency). This variant has not been reported in the literature in individuals affected with FLNA-related conditions. ClinVar contains an entry for this variant (Variation ID: 985910). Invitae Evidence Modeling of protein sequence and biophysical properties (such as structural, functional, and spatial information, amino acid conservation, physicochemical variation, residue mobility, and thermodynamic stability) has been performed for this missense variant. However, the output from this modeling did not meet the statistical confidence thresholds required to predict the impact of this variant on FLNA protein function. In summary, the available evidence is currently insufficient to determine the role of this variant in disease. Therefore, it has been classified as a Variant of Uncertain Significance.

CeGaT Center for Human Genetics Tuebingen
Classification: Uncertain significance. Last evaluated: 2025-10-01. Review status: criteria provided, single submitter. Criteria: CeGaT Center For Human Genetics Tuebingen Variant Classification Criteria Version 2. Collection method: clinical testing. Allele origin: germline. Affected: yes. Observed: 1 variant allele.
Comment: FLNA: PM2

Ambry Genetics
Classification: Uncertain significance for Inborn genetic diseases. Last evaluated: 2018-02-13. Review status: criteria provided, single submitter. Criteria: Ambry exome assertion method (8-5-2015). Collection method: clinical testing. Allele origin: germline. Affected: yes. Observed: 1 variant allele.

NM_001110556.2(FLNA):c.1355G>A (p.Gly452Asp)

Gene: FLNA (filamin A; minus strand). Cytogenetic location: Xq28.
Variant type: single nucleotide variant.
Coding change: c.1355G>A on transcript NM_001110556.2 (MANE Select); coding-DNA position 1355, G replaced by A.
Protein change: p.Gly452Asp; replaces glycine 452 with aspartic acid.
Molecular consequence: missense variant.
Genome position (GRCh38, 1-based): chrX:154,366,098, C>T on the plus strand (G>A on the coding strand, the complement: FLNA is on the minus strand). VCF-style: chrX-154366098-C-T. GRCh37 (hg19) VCF-style: chrX-153594466-C-T.
Other names: c.1355G>A, p.Gly452Asp (NM_001456.4); short protein forms G452D.
Identifiers: ClinVar variation 985910 (VCV000985910.14), dbSNP rs2067757148, ClinGen allele CA415243749.